The following is an entry in ClinVar:

NM_000198.4(HSD3B2):c.792_796del (p.Tyr264_Asn266delinsTer)

Gene: HSD3B2 (hydroxy-delta-5-steroid dehydrogenase, 3 beta- and steroid delta-isomerase 2; plus strand). Cytogenetic location: 1p12.
Variant type: Deletion.
Coding change: c.792_796del on transcript NM_000198.4 (MANE Select); coding-DNA positions 792 to 796, 5 bases deleted (TGATA; older notation c.792_796delTGATA).
Protein change: p.Tyr264_Asn266delinsTer.
Molecular consequence: nonsense.
Genome position (GRCh38, 1-based): chr1:119,422,293-119,422,297, TGATA deleted; deleting any 5 consecutive bases within chr1:119,422,291-119,422,297 gives the same sequence; the c. name uses the placement nearest the transcript's 3' end. VCF-style (leftmost placement, unchanged base first): chr1-119422290-CTATGA-C. GRCh37 (hg19) VCF-style: chr1-119964913-CTATGA-C.
Other names: c.792_796del, p.Tyr264_Asn266delinsTer (NM_001166120.2).
Identifiers: ClinVar variation 1451753 (VCV001451753.7), dbSNP rs2101350289, ClinGen allele CA2573131027.
Genomic context (GRCh38, chr1:119,422,290, plus strand): 5'-GAAGGCCCCAAGTGTCCGAGGTCAATTCTATTACATCTCAGATGACACGCCTCACCAAAG[CTATGA>C]TAACCTTAATTACATCCTGAGCAAAGAGTTTGGCCTCCGCCTTGATTCCAGATGGAGCCT-3'

ClinVar aggregate classification (germline): Pathogenic/Likely pathogenic. Review status: criteria provided, multiple submitters, no conflicts (2 of 4 stars). 2 submissions from 2 submitters: Pathogenic (1); Likely pathogenic (1). Last evaluated 2024-02-26.

Conditions:
3 beta-Hydroxysteroid dehydrogenase deficiency. Also called: 3b-hydroxysteroid dehydrogenase deficiency; Congenital adrenal hyperplasia due to 3-beta-hydroxysteroid dehydrogenase deficiency; 3-BETA-HSD DEFICIENCY; ADRENAL HYPERPLASIA II; ADRENAL HYPERPLASIA, CONGENITAL, DUE TO 3-BETA-HYDROXYSTEROID DEHYDROGENASE 2 DEFICIENCY. Identifiers: Orphanet 90791, MedGen C0342471, MeSH C538236, MONDO:0008727, OMIM 201810. Disease mechanism: loss of function.

Submissions (2):

Fulgent Genetics
Classification: Likely pathogenic for 3 beta-Hydroxysteroid dehydrogenase deficiency. Last evaluated: 2024-02-26. Review status: criteria provided, single submitter. Criteria: ACMG Guidelines, 2015. Collection method: clinical testing. Allele origin: germline.

Labcorp Genetics (formerly Invitae), Labcorp
Classification: Pathogenic. Last evaluated: 2021-04-30. Review status: criteria provided, single submitter. Criteria: Invitae Variant Classification Sherloc (09022015). Collection method: clinical testing. Allele origin: germline.
Comment: For these reasons, this variant has been classified as Pathogenic. This variant disrupts the C-terminus of the HSD3B2 protein. Other variant(s) that disrupt this region (p.Arg335*) have been determined to be pathogenic (PMID: 18252794, 31006099). This suggests that variants that disrupt this region of the protein are likely to be causative of disease. This variant has not been reported in the literature in individuals with HSD3B2-related conditions. This variant is not present in population databases (ExAC no frequency). This sequence change creates a premature translational stop signal (p.Tyr264*) in the HSD3B2 gene. While this is not anticipated to result in nonsense mediated decay, it is expected to disrupt the last 109 amino acid(s) of the HSD3B2 protein.

Literature cited by the submitters: PubMed 18252794 (cited by Labcorp Genetics (formerly Invitae), Labcorp); PubMed 31006099 (cited by Labcorp Genetics (formerly Invitae), Labcorp).